The following is an entry in ClinVar:

ClinVar aggregate classification (germline): Likely benign. Review status: criteria provided, multiple submitters, no conflicts (2 of 4 stars). 3 submissions from 3 submitters: Likely benign (2). 1 of the submissions does not count toward it. Last evaluated 2026-01-24.

Conditions:
TAF1-related disorder. Also called: TAF1-related condition.

Allele frequency attached by ClinVar (database versions not stated): gnomAD exomes 0.00001 and 0.00003; ExAC 0.00008; TOPMed 0.00011; gnomAD 0.00030 and 0.00032.
gnomAD v4.1: 89 of 1,145,364 alleles (0.0078%); highest among the groups gnomAD compares: Admixed American, 0.092%; 3 homozygotes.

Submissions (3):

Labcorp Genetics (formerly Invitae), Labcorp
Classification: Likely benign. Last evaluated: 2026-01-24. Review status: criteria provided, single submitter. Criteria: Invitae Variant Classification Sherloc (09022015). Collection method: clinical testing. Allele origin: germline.

Blueprint Genetics
Classification: Likely benign. Last evaluated: 2024-11-22. Review status: criteria provided, single submitter. Criteria: ACMG Guidelines, 2015. Collection method: clinical testing. Allele origin: germline.

PreventionGenetics, part of Exact Sciences
Classification: Likely benign for TAF1-related condition. Last evaluated: 2019-07-29. Review status: no assertion criteria provided. Collection method: clinical testing. Allele origin: germline. Not counted in ClinVar's aggregate classification.
Comment: This variant is classified as likely benign based on ACMG/AMP sequence variant interpretation guidelines (Richards et al. 2015 PMID: 25741868, with internal and published modifications).

NM_004606.5(TAF1):c.2782-10T>C

Gene: TAF1 (TATA-box binding protein associated factor 1; plus strand). Cytogenetic location: Xq13.1.
Variant type: single nucleotide variant.
Coding change: c.2782-10T>C on transcript NM_004606.5 (MANE Select); 10 bases into the intron before coding-DNA position 2782, T replaced by C.
Molecular consequence: intron variant.
Genome position (GRCh38, 1-based): chrX:71,392,559, T>C. VCF-style: chrX-71392559-T-C. GRCh37 (hg19) VCF-style: chrX-70612409-T-C.
Other names: c.2782-10T>C (NM_001286074.2); c.2719-10T>C (NM_138923.4); c.2842-10T>C (NM_001286074.1).
Identifiers: ClinVar variation 699411 (VCV000699411.12), dbSNP rs369716206, ClinGen allele CA10446945.